The following is an entry in ClinVar:

NM_005144.5(HR):c.2636G>A (p.Arg879Lys)

Gene: HR (HR lysine demethylase and nuclear receptor corepressor; minus strand). Cytogenetic location: 8p21.3.
Variant type: single nucleotide variant.
Coding change: c.2636G>A on transcript NM_005144.5 (MANE Select); coding-DNA position 2636, G replaced by A.
Protein change: p.Arg879Lys; replaces arginine 879 with lysine.
Molecular consequence: missense variant.
Genome position (GRCh38, 1-based): chr8:22,120,482, C>T on the plus strand (G>A on the coding strand, the complement: HR is on the minus strand). VCF-style: chr8-22120482-C-T. GRCh37 (hg19) VCF-style: chr8-21977995-C-T.
Other names: c.2636G>A, p.Arg879Lys (NM_018411.4); short protein forms R879K.
Identifiers: ClinVar variation 392408 (VCV000392408.3), dbSNP rs771886990, ClinGen allele CA4662051.

ClinVar aggregate classification (germline): Uncertain significance. Review status: criteria provided, multiple submitters, no conflicts (2 of 4 stars). 2 submissions from 2 submitters: Uncertain significance (2). Last evaluated 2025-08-01.

Conditions:
Inborn genetic diseases. Identifiers: MedGen C0950123, MeSH D030342.

Allele frequency attached by ClinVar (database versions not stated): gnomAD exomes 0.00001 and 0.00006; TOPMed 0.00002; ExAC 0.00003; gnomAD 0.00003.
gnomAD v4.1: 95 of 1,613,866 alleles (0.0059%); highest among the groups gnomAD compares: Non-Finnish European, 0.0076%; no homozygotes.

Submissions (2):

Ambry Genetics
Classification: Uncertain significance for Inborn genetic diseases. Last evaluated: 2025-08-01. Review status: criteria provided, single submitter. Criteria: Ambry Variant Classification Scheme 2023. Collection method: clinical testing. Allele origin: germline.

GeneDx
Classification: Uncertain significance. Last evaluated: 2017-01-19. Review status: criteria provided, single submitter. Criteria: GeneDx Variant Classification (06012015). Collection method: clinical testing. Allele origin: germline. Affected: yes.
Comment: The R879K variant in the HR gene has not been reported previously as a pathogenic variant, nor as a benign variant, to our knowledge. The R879K variant was not observed in approximately 6,500 individuals of European and African American ancestry in the NHLBI Exome Sequencing Project, indicating it is not a common benign variant in these populations. The R879K variant is a conservative amino acid substitution, which is not likely to impact secondary protein structure as these residues share similar properties. This substitution occurs at a position where amino acids with similar properties to Arginine are tolerated across species. In silico analysis predicts this variant likely does not alter the protein structure/function. We interpret R879K as a variant of uncertainsignificance.